The following is an entry in ClinVar:

ClinVar aggregate classification (germline): Likely pathogenic (0 of 4 stars; one submission).

Conditions:
Neurodegeneration with brain iron accumulation 5 (NBIA5). Also called: STATIC ENCEPHALOPATHY OF CHILDHOOD WITH NEURODEGENERATION IN ADULTHOOD; Beta-propeller protein-associated neurodegeneration. Identifiers: Orphanet 329284, MedGen C3550973, MONDO:0010476, OMIM 300894.

Submission:

Solve-RD Consortium
Classification: Likely pathogenic for Neurodegeneration with brain iron accumulation 5. Last evaluated: 2022-06-01. Review status: no assertion criteria provided. Collection method: provider interpretation. Allele origin: inherited. Affected: yes.
Comment: Variant confirmed as disease-causing by referring clinical team

Variant identified during reanalysis of unsolved cases by the Solve-RD project. The Solve-RD project has received funding from the European Union’s Horizon 2020 research and innovation programme under grant agreement No 779257.

Literature cited by the submitters: PubMed 39825153.

NM_001029896.2(WDR45):c.1005_1007dup (p.Val336_Phe337insVal)

Gene: WDR45 (WD repeat domain 45; minus strand). Cytogenetic location: Xp11.23.
Variant type: Duplication.
Coding change: c.1005_1007dup on transcript NM_001029896.2 (MANE Select); coding-DNA positions 1005 to 1007, 3 bases duplicated (TGT; older notation c.1005_1007dupTGT).
Protein change: p.Val336_Phe337insVal.
Molecular consequence: inframe insertion.
Genome position (GRCh38, 1-based): chrX:49,074,879-49,074,881, ACA duplicated on the plus strand (TGT on the coding strand, the reverse complement: WDR45 is on the minus strand). VCF-style (leftmost placement, unchanged base first): chrX-49074878-G-GACA. GRCh37 (hg19) VCF-style: chrX-48932537-G-GACA.
Other names: c.1008_1010dup, p.Val337_Phe338insVal (NM_007075.4).
Identifiers: ClinVar variation 3338068 (VCV003338068.1).
Genomic context (GRCh38, chrX:49,074,878, plus strand): 5'-ATCACAGATGTCAAGGTACACGTCGAAAGCCTCTCTGTTGCAGTTTCCATCAGGAGTGAA[G>GACA]ACATATTTGTGGAAGGTCCCATCTACGCAGATGGCTGGGGGAGGGGGGGTGGTAAAAGGT-3'